The following is an entry in ClinVar:

ClinVar aggregate classification (germline): Uncertain significance (1 of 4 stars; one submission).

Conditions:
Hereditary cancer-predisposing syndrome. Also called: Hereditary neoplastic syndrome; Neoplastic Syndromes, Hereditary; Tumor predisposition; Hereditary Cancer Syndrome. Identifiers: Orphanet 140162, MedGen C0027672, MeSH D009386, MONDO:0015356.

Submission:

Ambry Genetics
Classification: Uncertain significance for Hereditary cancer-predisposing syndrome. Last evaluated: 2025-08-27. Review status: criteria provided, single submitter. Criteria: Ambry Variant Classification Scheme 2023. Collection method: clinical testing. Allele origin: germline.
Comment: The p.V258G variant (also known as c.773T>G), located in coding exon 9 of the MUTYH gene, results from a T to G substitution at nucleotide position 773. The valine at codon 258 is replaced by glycine, an amino acid with dissimilar properties. This amino acid position is conserved. In addition, this alteration is predicted to be deleterious by in silico analysis. Based on the available evidence, the clinical significance of this variant remains unclear.

NM_001048174.2(MUTYH):c.689T>G (p.Val230Gly)

Gene: MUTYH (mutY DNA glycosylase; minus strand). Cytogenetic location: 1p34.1.
Variant type: single nucleotide variant.
Coding change: c.689T>G on transcript NM_001048174.2 (MANE Select); coding-DNA position 689, T replaced by G.
Protein change: p.Val230Gly; replaces valine 230 with glycine.
Molecular consequence: missense variant. On other transcripts: non-coding transcript variant (7).
Genome position (GRCh38, 1-based): chr1:45,332,406, A>C on the plus strand (T>G on the coding strand, the complement: MUTYH is on the minus strand). VCF-style: chr1-45332406-A-C. GRCh37 (hg19) VCF-style: chr1-45798078-A-C.
Other names: c.689T>G, p.Val230Gly (NM_001048171.2, NM_001048173.2, NM_001293195.2 and 6 more transcripts); c.692T>G, p.Val231Gly (NM_001048172.2, NM_001407071.1, NM_001407078.1 and 1 more transcripts); c.773T>G, p.Val258Gly (NM_001128425.2); c.734T>G, p.Val245Gly (NM_001293190.2); c.722T>G, p.Val241Gly (NM_001293191.2, NM_001407069.1, NM_001407077.1); c.413T>G, p.Val138Gly (NM_001293192.2, NM_001293196.2, NM_001407091.1); c.344T>G, p.Val115Gly (NM_001350650.2, NM_001350651.2, NM_001407082.1); c.605T>G, p.Val202Gly (NM_001407075.1); and 5 more; short protein forms V202G, V216G, V230G, V231G, V115G, V217G, V237G, V244G.
Identifiers: ClinVar variation 4113828 (VCV004113828.1).